The following is an entry in ClinVar:

NM_000057.4(BLM):c.130G>T (p.Asp44Tyr)

Gene: BLM (BLM RecQ like helicase; plus strand). Cytogenetic location: 15q26.1.
Variant type: single nucleotide variant.
Coding change: c.130G>T on transcript NM_000057.4 (MANE Select); coding-DNA position 130, G replaced by T.
Protein change: p.Asp44Tyr; replaces aspartic acid 44 with tyrosine.
Molecular consequence: missense variant. On other transcripts: 5 prime UTR variant (1).
Genome position (GRCh38, 1-based): chr15:90,749,398, G>T. VCF-style: chr15-90749398-G-T. GRCh37 (hg19) VCF-style: chr15-91292628-G-T.
Other names: c.130G>T, p.Asp44Tyr (NM_001287246.2, NM_001287247.2); c.-1162G>T (NM_001287248.2); short protein forms D44Y.
Identifiers: ClinVar variation 1445533 (VCV001445533.6), dbSNP rs1249086421, ClinGen allele CA393839400.
Genomic context (GRCh38, chr15:90,749,398, plus strand): 5'-TCTAATCTAGTTTTTCCATTATTTTTCAGAGGTTTCACTTTTAAAAAGAAAACATCTTCA[G>T]ATAACAATGTATCTGTAACTAATGTGTCAGTAGCAAAAACACCTGTATTAAGAAATAAAG-3'
Protein context (NP_000048.1, residues 34-54): GFTFKKKTSS[Asp44Tyr]NNVSVTNVSV

ClinVar aggregate classification (germline): Uncertain significance (1 of 4 stars; one submission).

Conditions:
Bloom syndrome (BLM). Also called: Bloom-Torre-Machacek syndrome. Identifiers: Orphanet 125, MedGen C0005859, MONDO:0008876, OMIM 210900.

Allele frequency attached by ClinVar (database versions not stated): gnomAD exomes below 0.00001.
gnomAD v4.1: 3 of 1,606,920 alleles (0.00019%); highest among the groups gnomAD compares: South Asian, 0.0033%; no homozygotes.

Submission:

Labcorp Genetics (formerly Invitae), Labcorp
Classification: Uncertain significance for Bloom syndrome. Last evaluated: 2024-07-21. Review status: criteria provided, single submitter. Criteria: Invitae Variant Classification Sherloc (09022015). Collection method: clinical testing. Allele origin: germline.
Comment: This sequence change replaces aspartic acid, which is acidic and polar, with tyrosine, which is neutral and polar, at codon 44 of the BLM protein (p.Asp44Tyr). This variant is present in population databases (no rsID available, gnomAD 0.003%). This variant has not been reported in the literature in individuals affected with BLM-related conditions. ClinVar contains an entry for this variant (Variation ID: 1445533). An algorithm developed to predict the effect of missense changes on protein structure and function (PolyPhen-2) suggests that this variant is likely to be disruptive. In summary, the available evidence is currently insufficient to determine the role of this variant in disease. Therefore, it has been classified as a Variant of Uncertain Significance.